The following is an entry in ClinVar:

NM_000051.4(ATM):c.6526_6532del (p.Leu2176fs)

Genes: C11orf65 (chromosome 11 open reading frame 65; minus strand), ATM (ATM serine/threonine kinase; plus strand). Cytogenetic location: 11q22.3.
Variant type: Deletion.
Coding change: c.6526_6532del on transcript NM_000051.4 (MANE Select); coding-DNA positions 6526 to 6532, 7 bases deleted (TTGCAGG; older notation c.6526_6532delTTGCAGG).
Protein change: p.Leu2176fs; shifts the reading frame from leucine 2176.
Molecular consequence: frameshift variant. On other transcripts: intron variant (2).
Genome position (GRCh38, 1-based): chr11:108,321,374-108,321,380, TTGCAGG deleted; deleting any 7 consecutive bases within chr11:108,321,369-108,321,380 gives the same sequence; the c. name uses the placement nearest the transcript's 3' end. VCF-style (leftmost placement, unchanged base first): chr11-108321368-AGCAGGTT-A. GRCh37 (hg19) VCF-style: chr11-108192095-AGCAGGTT-A.
Other names: c.6526_6532delTTGCAGG, p.Leu2176Profs (NM_000051.3); c.6526_6532del, p.Leu2176fs (NM_001351834.2); c.641-12304_641-12298del (NM_001330368.2); c.*39-12304_*39-12298del (NM_001351110.2); short protein forms L2176fs.
Identifiers: ClinVar variation 864515 (VCV000864515.12), dbSNP rs2085199149, ClinGen allele CA916080482.

ClinVar aggregate classification (germline): Pathogenic/Likely pathogenic. Review status: criteria provided, multiple submitters, no conflicts (2 of 4 stars). 4 submissions from 4 submitters: Pathogenic (2); Likely pathogenic (2). Last evaluated 2024-07-01.

Conditions:
Familial cancer of breast. Also called: Hereditary breast cancer; BREAST CANCER, FAMILIAL; hereditary breast carcinoma. Identifiers: Orphanet 227535, MedGen C0346153, MONDO:0016419, OMIM 114480. Disease mechanism: loss of function.
Hereditary cancer-predisposing syndrome. Also called: Tumor predisposition; Neoplastic Syndromes, Hereditary; Hereditary Cancer Syndrome; Hereditary neoplastic syndrome. Identifiers: Orphanet 140162, MedGen C0027672, MeSH D009386, MONDO:0015356.
Ataxia-telangiectasia syndrome (AT). Also called: ATAXIA-TELANGIECTASIA, COMPLEMENTATION GROUP A; ATAXIA-TELANGIECTASIA, FRESNO VARIANT; Ataxia-telangiectasia; Ataxia-telangiectasia, complementation group D; AT, COMPLEMENTATION GROUP C; Ataxia-telangiectasia, complementation group E. Identifiers: Orphanet 100, MedGen C0004135, MONDO:0008840, OMIM 208900.

Submissions (4):

Natera, Inc.
Classification: Likely pathogenic for Ataxia-telangiectasia. Last evaluated: 2024-07-01. Review status: criteria provided, single submitter. Criteria: Natera Variant Classification Schema (03/2026). Collection method: clinical testing. Allele origin: germline.
Comment: The c.6526_6532delTTGCAGG variant in ATM is a frameshift variant predicted to shift the reading frame beginning at codon 2176 and leads to a stop codon 57 codons downstream. This variant is expected to result in nonsense mediated decay, truncation, or a dysfunctional protein product. This variant is rare in the general population with a frequency below the threshold expected for the associated phenotype(s). Given the available evidence, this variant is classified as Likely Pathogenic.

Baylor Genetics
Classification: Likely pathogenic for Familial cancer of breast. Last evaluated: 2023-12-27. Review status: criteria provided, single submitter. Criteria: ACMG Guidelines, 2015. Collection method: clinical testing. Allele origin: unknown.

Labcorp Genetics (formerly Invitae), Labcorp
Classification: Pathogenic for Ataxia-telangiectasia syndrome. Last evaluated: 2023-10-24. Review status: criteria provided, single submitter. Criteria: Invitae Variant Classification Sherloc (09022015). Collection method: clinical testing. Allele origin: germline.
Comment: This sequence change creates a premature translational stop signal (p.Leu2176Profs*57) in the ATM gene. It is expected to result in an absent or disrupted protein product. Loss-of-function variants in ATM are known to be pathogenic (PMID: 23807571, 25614872). This variant is not present in population databases (gnomAD no frequency). This variant has not been reported in the literature in individuals affected with ATM-related conditions. ClinVar contains an entry for this variant (Variation ID: 864515). For these reasons, this variant has been classified as Pathogenic.

Ambry Genetics
Classification: Pathogenic for Hereditary cancer-predisposing syndrome. Last evaluated: 2021-07-28. Review status: criteria provided, single submitter. Criteria: Ambry Variant Classification Scheme 2023. Collection method: clinical testing. Allele origin: germline.
Comment: The c.6526_6532delTTGCAGG pathogenic mutation, located in coding exon 44 of the ATM gene, results from a deletion of 7 nucleotides at nucleotide positions 6526 to 6532, causing a translational frameshift with a predicted alternate stop codon (p.L2176Pfs*57). This alteration is expected to result in loss of function by premature protein truncation or nonsense-mediated mRNA decay. As such, this alteration is interpreted as a disease-causing mutation.

Literature cited by the submitters: PubMed 23807571 (cited by Labcorp Genetics (formerly Invitae), Labcorp); PubMed 25614872 (cited by Labcorp Genetics (formerly Invitae), Labcorp).